The following is an entry in ClinVar:

NM_001374623.1(PNPLA1):c.142C>T (p.Arg48Cys)

Gene: PNPLA1 (patatin like domain 1, omega-hydroxyceramide transacylase; plus strand). Cytogenetic location: 6p21.31.
Variant type: single nucleotide variant.
Coding change: c.142C>T on transcript NM_001374623.1 (MANE Select); coding-DNA position 142, C replaced by T.
Protein change: p.Arg48Cys; replaces arginine 48 with cysteine.
Molecular consequence: missense variant. On other transcripts: intron variant (2).
Genome position (GRCh38, 1-based): chr6:36,270,601, C>T. VCF-style: chr6-36270601-C-T. GRCh37 (hg19) VCF-style: chr6-36238378-C-T.
Other names: c.142C>T, p.Arg48Cys (NM_001145717.1); c.-80-20719C>T (NM_001145716.2, NM_173676.2); short protein forms R48C.
Identifiers: ClinVar variation 3216029 (VCV003216029.4), dbSNP rs569342608, ClinGen allele CA3777602.
Genomic context (GRCh38, chr6:36,270,601, plus strand): 5'-CAGGCGGGGGCTGTGGACGCCCTGCGGGACCTGGCCCCCCGGATGCTGGAAACAGCCCAC[C>T]GCTTTGCGGGGACATCGGCAGGTGCTGTGATCGCCGCCCTGGCCATCTGCGGGATTGAAA-3'
Protein context (NP_001361552.1, residues 38-58): LAPRMLETAH[Arg48Cys]FAGTSAGAVI

ClinVar aggregate classification (germline): Uncertain significance. Review status: criteria provided, multiple submitters, no conflicts (2 of 4 stars). 3 submissions from 3 submitters: Uncertain significance (3). Last evaluated 2026-02-15.

Conditions:
Inborn genetic diseases. Identifiers: MedGen C0950123, MeSH D030342.

Allele frequency attached by ClinVar (database versions not stated): ExAC 0.00005; 1000 Genomes Project 30x 0.00016; 1000 Genomes Project 0.00020.
gnomAD v4.1: 62 of 1,551,644 alleles (0.004%); highest among the groups gnomAD compares: Non-Finnish European, 0.005%; no homozygotes.

Submissions (3):

GeneDx
Classification: Uncertain significance. Last evaluated: 2026-02-15. Review status: criteria provided, single submitter. Criteria: GeneDx Variant Classification Process June 2021. Collection method: clinical testing. Allele origin: germline.
Comment: In silico analysis supports that this missense variant has a deleterious effect on protein structure/function; Has not been previously published as pathogenic or benign to our knowledge

Labcorp Genetics (formerly Invitae), Labcorp
Classification: Uncertain significance. Last evaluated: 2025-11-05. Review status: criteria provided, single submitter. Criteria: Invitae Variant Classification Sherloc (09022015). Collection method: clinical testing. Allele origin: germline.
Comment: This sequence change replaces arginine, which is basic and polar, with cysteine, which is neutral and slightly polar, at codon 48 of the PNPLA1 protein (p.Arg48Cys). This variant is present in population databases (rs569342608, gnomAD 0.006%). This variant has not been reported in the literature in individuals affected with PNPLA1-related conditions. ClinVar contains an entry for this variant (Variation ID: 3216029). An algorithm developed to predict the effect of missense changes on protein structure and function (PolyPhen-2) suggests that this variant is likely to be disruptive. In summary, the available evidence is currently insufficient to determine the role of this variant in disease. Therefore, it has been classified as a Variant of Uncertain Significance.

Ambry Genetics
Classification: Uncertain significance for Inborn genetic diseases. Last evaluated: 2023-12-09. Review status: criteria provided, single submitter. Criteria: Ambry Variant Classification Scheme 2023. Collection method: clinical testing. Allele origin: germline.